The following is an entry in ClinVar:

NM_005228.5(EGFR):c.3302C>T (p.Pro1101Leu)

Gene: EGFR (epidermal growth factor receptor; plus strand). Cytogenetic location: 7p11.2.
Variant type: single nucleotide variant.
Coding change: c.3302C>T on transcript NM_005228.5 (MANE Select); coding-DNA position 3302, C replaced by T.
Protein change: p.Pro1101Leu; replaces proline 1101 with leucine.
Molecular consequence: missense variant.
Genome position (GRCh38, 1-based): chr7:55,205,286, C>T. VCF-style: chr7-55205286-C-T. GRCh37 (hg19) VCF-style: chr7-55272979-C-T.
Other names: c.3302C>T (NM_005228.3); c.3167C>T, p.Pro1056Leu (NM_001346899.2); c.3143C>T, p.Pro1048Leu (NM_001346900.2); c.2501C>T, p.Pro834Leu (NM_001346941.2); short protein forms P1101L, P1048L, P834L, P1056L.
Identifiers: ClinVar variation 1042857 (VCV001042857.6), dbSNP rs764332519, ClinGen allele CA367584325.

ClinVar aggregate classification (germline): Uncertain significance. Review status: criteria provided, multiple submitters, no conflicts (2 of 4 stars). 2 submissions from 2 submitters: Uncertain significance (2). Last evaluated 2025-02-08.

Conditions:
Hereditary cancer-predisposing syndrome. Also called: Hereditary Cancer Syndrome; Tumor predisposition; Hereditary neoplastic syndrome; Neoplastic Syndromes, Hereditary. Identifiers: Orphanet 140162, MedGen C0027672, MeSH D009386, MONDO:0015356.
EGFR-related lung cancer (EGFR). Identifiers: MedGen CN130014.

Allele frequency attached by ClinVar (database versions not stated): TOPMed 0.00002; gnomAD 0.00003.
gnomAD v4.1: 7 of 1,612,800 alleles (0.00043%); highest among the groups gnomAD compares: African/African-American, 0.004%; no homozygotes.

Submissions (2):

Ambry Genetics
Classification: Uncertain significance for Hereditary cancer-predisposing syndrome. Last evaluated: 2025-02-08. Review status: criteria provided, single submitter. Criteria: Ambry Variant Classification Scheme 2023. Collection method: clinical testing. Allele origin: germline.
Comment: The p.P1101L variant (also known as c.3302C>T), located in coding exon 28 of the EGFR gene, results from a C to T substitution at nucleotide position 3302. The proline at codon 1101 is replaced by leucine, an amino acid with similar properties. This amino acid position is conserved. In addition, the in silico prediction for this alteration is inconclusive. Based on the available evidence, the clinical significance of this variant remains unclear.

Labcorp Genetics (formerly Invitae), Labcorp
Classification: Uncertain significance for EGFR-related lung cancer. Last evaluated: 2024-12-09. Review status: criteria provided, single submitter. Criteria: Invitae Variant Classification Sherloc (09022015). Collection method: clinical testing. Allele origin: germline.
Comment: This sequence change replaces proline, which is neutral and non-polar, with leucine, which is neutral and non-polar, at codon 1101 of the EGFR protein (p.Pro1101Leu). The frequency data for this variant in the population databases is considered unreliable, as metrics indicate poor data quality at this position in the gnomAD database. This variant has not been reported in the literature in individuals affected with EGFR-related conditions. ClinVar contains an entry for this variant (Variation ID: 1042857). An algorithm developed to predict the effect of missense changes on protein structure and function (PolyPhen-2) suggests that this variant¬†is likely to be tolerated. In summary, the available evidence is currently insufficient to determine the role of this variant in disease. Therefore, it has been classified as a Variant of Uncertain Significance.